The following is an entry in ClinVar:

ClinVar aggregate classification (germline): Pathogenic (1 of 4 stars; one submission).

Conditions:
LAMA2-related muscular dystrophy (LAMA2-RD). Also called: Laminin alpha 2-related dystrophy. Identifiers: MedGen C5679788, MONDO:0100228.

Submission:

Labcorp Genetics (formerly Invitae), Labcorp
Classification: Pathogenic for LAMA2-related muscular dystrophy. Last evaluated: 2023-10-11. Review status: criteria provided, single submitter. Criteria: Invitae Variant Classification Sherloc (09022015). Collection method: clinical testing. Allele origin: unknown.
Comment: This variant is a gross deletion of the genomic region encompassing exon(s) 57-58 of the LAMA2 gene. This deletion is out-of-frame, and is expected to create a premature termination codon and result in an absent or disrupted protein product. Loss-of-function variants in LAMA2 are known to be pathogenic (PMID: 18700894, 32904964). This variant has not been reported in the literature in individuals affected with LAMA2-related conditions. For these reasons, this variant has been classified as Pathogenic.

Literature cited by the submitters: PubMed 18700894; PubMed 32904964.

NC_000006.11:g.(?_129813026)_(129813648_?)del

Gene: LAMA2 (laminin subunit alpha 2; plus strand). Cytogenetic location: 6q22.33.
Variant type: Deletion.
Identifiers: ClinVar variation 3246062 (VCV003246062.1).